The following is an entry in ClinVar:

NM_182916.3(TRNT1):c.939G>T (p.Leu313Phe)

Gene: TRNT1 (tRNA nucleotidyl transferase 1; plus strand). Cytogenetic location: 3p26.2.
Variant type: single nucleotide variant.
Coding change: c.939G>T on transcript NM_182916.3 (MANE Select); coding-DNA position 939, G replaced by T.
Protein change: p.Leu313Phe; replaces leucine 313 with phenylalanine.
Molecular consequence: missense variant. On other transcripts: non-coding transcript variant (8).
Genome position (GRCh38, 1-based): chr3:3,147,586, G>T. VCF-style: chr3-3147586-G-T. GRCh37 (hg19) VCF-style: chr3-3189270-G-T.
Other names: c.879G>T, p.Leu293Phe (NM_001302946.2); c.939G>T, p.Leu313Phe (NM_001367321.1, NM_001367322.1, NM_001367323.1); short protein forms L293F, L313F.
Identifiers: ClinVar variation 1990136 (VCV001990136.2), dbSNP rs756115975, ClinGen allele CA2228829.

ClinVar aggregate classification (germline): Uncertain significance (1 of 4 stars; one submission).

Conditions:
Congenital sideroblastic anemia-B-cell immunodeficiency-periodic fever-developmental delay syndrome. Also called: Sideroblastic anemia with B-cell immunodeficiency, periodic fevers, and developmental delay. Identifiers: Orphanet 369861, MedGen C4015172, MONDO:0014487, OMIM 616084.

Allele frequency attached by ClinVar (database versions not stated): gnomAD 0.00001; ExAC 0.00002; gnomAD exomes 0.00003.
gnomAD v4.1: 17 of 1,613,956 alleles (0.0011%); highest among the groups gnomAD compares: South Asian, 0.019%; no homozygotes.

Submission:

Labcorp Genetics (formerly Invitae), Labcorp
Classification: Uncertain significance for Congenital sideroblastic anemia-B-cell immunodeficiency-periodic fever-developmental delay syndrome. Last evaluated: 2024-04-30. Review status: criteria provided, single submitter. Criteria: Invitae Variant Classification Sherloc (09022015). Collection method: clinical testing. Allele origin: germline.
Comment: This sequence change replaces leucine, which is neutral and non-polar, with phenylalanine, which is neutral and non-polar, at codon 313 of the TRNT1 protein (p.Leu313Phe). This variant is present in population databases (rs756115975, gnomAD 0.02%). This variant has not been reported in the literature in individuals affected with TRNT1-related conditions. ClinVar contains an entry for this variant (Variation ID: 1990136). Advanced modeling of protein sequence and biophysical properties (such as structural, functional, and spatial information, amino acid conservation, physicochemical variation, residue mobility, and thermodynamic stability) performed at Invitae indicates that this missense variant is not expected to disrupt TRNT1 protein function with a negative predictive value of 80%. In summary, the available evidence is currently insufficient to determine the role of this variant in disease. Therefore, it has been classified as a Variant of Uncertain Significance.